The following is an entry in ClinVar:

ClinVar aggregate classification (germline): Uncertain significance. Review status: criteria provided, multiple submitters, no conflicts (2 of 4 stars). 2 submissions from 2 submitters: Uncertain significance (2). Last evaluated 2023-12-08.

Conditions:
Inborn genetic diseases. Identifiers: MedGen C0950123, MeSH D030342.
Hereditary spastic paraplegia 11. Also called: Spastic Paraplegia 11; SPASTIC PARAPLEGIA, AUTOSOMAL RECESSIVE, COMPLICATED, WITH THIN CORPUS CALLOSUM; SPASTIC PARAPLEGIA, AUTOSOMAL RECESSIVE, WITH MENTAL IMPAIRMENT AND THIN CORPUS CALLOSUM; Spastic paraplegia, mental retardation and thin corpus callosum; Nakamura Osame syndrome; Autosomal recessive hereditary spastic paraplegia, mental impairment, and thin corpus callosum. Identifiers: Orphanet 2822, MedGen C1858479, MONDO:0011445, OMIM 604360.

Submissions (2):

Ambry Genetics
Classification: Uncertain significance for Inborn genetic diseases. Last evaluated: 2023-12-08. Review status: criteria provided, single submitter. Criteria: Ambry Variant Classification Scheme 2023. Collection method: clinical testing. Allele origin: germline.

Labcorp Genetics (formerly Invitae), Labcorp
Classification: Uncertain significance for Hereditary spastic paraplegia 11. Last evaluated: 2020-02-28. Review status: criteria provided, single submitter. Criteria: Invitae Variant Classification Sherloc (09022015). Collection method: clinical testing. Allele origin: germline.
Comment: This sequence change replaces glycine with glutamic acid at codon 536 of the SPG11 protein (p.Gly536Glu). The glycine residue is highly conserved and there is a moderate physicochemical difference between glycine and glutamic acid. This variant is not present in population databases (ExAC no frequency). This variant has not been reported in the literature in individuals with SPG11-related conditions. Algorithms developed to predict the effect of missense changes on protein structure and function are either unavailable or do not agree on the potential impact of this missense change (SIFT: "Deleterious"; PolyPhen-2: "Probably Damaging"; Align-GVGD: "Class C0"). In summary, the available evidence is currently insufficient to determine the role of this variant in disease. Therefore, it has been classified as a Variant of Uncertain Significance.

NM_025137.4(SPG11):c.1607G>A (p.Gly536Glu)

Gene: SPG11 (SPG11 vesicle trafficking associated, spatacsin; minus strand). Cytogenetic location: 15q21.1.
Variant type: single nucleotide variant.
Coding change: c.1607G>A on transcript NM_025137.4 (MANE Select); coding-DNA position 1607, G replaced by A.
Protein change: p.Gly536Glu; replaces glycine 536 with glutamic acid.
Molecular consequence: missense variant.
Genome position (GRCh38, 1-based): chr15:44,633,633, C>T on the plus strand (G>A on the coding strand, the complement: SPG11 is on the minus strand). VCF-style: chr15-44633633-C-T. GRCh37 (hg19) VCF-style: chr15-44925831-C-T.
Other names: c.1607G>A, p.Gly536Glu (NM_001160227.2); c.1607G>A (NM_025137.3); short protein forms G536E.
Identifiers: ClinVar variation 1052429 (VCV001052429.10), dbSNP rs200428589, ClinGen allele CA270084430.